The following is an entry in ClinVar:

ClinVar aggregate classification (germline): Conflicting classifications of pathogenicity. Review status: criteria provided, conflicting classifications (1 of 4 stars). 7 submissions from 7 submitters: Uncertain significance (6); Likely benign (1). Last evaluated 2026-01-12.

Conditions:
Inborn genetic diseases. Identifiers: MedGen C0950123, MeSH D030342.
Neuropathy, hereditary sensory and autonomic, type 2A (HSAN2A). Also called: HSAN IIA; MORVAN DISEASE; NEUROPATHY, CONGENITAL SENSORY; NEUROPATHY, HEREDITARY SENSORY RADICULAR, AUTOSOMAL RECESSIVE; NEUROPATHY, HEREDITARY SENSORY, TYPE IIA; NEUROPATHY, PROGRESSIVE SENSORY, OF CHILDREN. Identifiers: Orphanet 970, MedGen C2752089, MONDO:0024309, OMIM 201300.
Pseudohypoaldosteronism type 2C (PHA2C). Also called: Pseudohypoaldosteronism Type IIC. Identifiers: Orphanet 757, Orphanet 88940, MedGen C1840391, MONDO:0013778, OMIM 614492.

Allele frequency attached by ClinVar (database versions not stated): TOPMed 0.00005; gnomAD 0.00009; gnomAD exomes 0.00011; ExAC 0.00012.
gnomAD v4.1: 169 of 1,614,082 alleles (0.01%); highest among the groups gnomAD compares: Non-Finnish European, 0.011%; no homozygotes.

Submissions (7):

Labcorp Genetics (formerly Invitae), Labcorp
Classification: Likely benign for Neuropathy, hereditary sensory and autonomic, type 2A; Pseudohypoaldosteronism type 2C. Last evaluated: 2026-01-12. Review status: criteria provided, single submitter. Criteria: Invitae Variant Classification Sherloc (09022015). Collection method: clinical testing. Allele origin: germline.

Women's Health and Genetics/Laboratory Corporation of America, LabCorp
Classification: Uncertain significance. Last evaluated: 2025-06-13. Review status: criteria provided, single submitter. Criteria: LabCorp Variant Classification Summary - May 2015. Collection method: clinical testing. Allele origin: germline.
Comment: Variant summary: WNK1 c.5714T>A (p.Val1905Glu) results in a non-conservative amino acid change in the encoded protein sequence. Algorithms developed to predict the effect of missense changes on protein structure and function all suggest that this variant is likely to be disruptive. The variant allele was found at a frequency of 0.00011 in 251404 control chromosomes. This frequency is not significantly higher than estimated for a pathogenic variant in WNK1 causing Neuropathy, hereditary sensory and autonomic, type 2A (0.00011 vs 0.0011), allowing no conclusion about variant significance. To our knowledge, no occurrence of c.5714T>A in individuals affected with Neuropathy, hereditary sensory and autonomic, type 2A and no experimental evidence demonstrating its impact on protein function have been reported. ClinVar contains an entry for this variant (Variation ID: 652284). Based on the evidence outlined above, the variant was classified as uncertain significance.

Blueprint Genetics
Classification: Uncertain significance. Last evaluated: 2024-10-14. Review status: criteria provided, single submitter. Criteria: ACMG Guidelines, 2015. Collection method: clinical testing. Allele origin: germline.

GeneDx
Classification: Uncertain significance. Last evaluated: 2024-03-14. Review status: criteria provided, single submitter. Criteria: GeneDx Variant Classification Process June 2021. Collection method: clinical testing. Allele origin: germline. Affected: yes.
Comment: In silico analysis supports that this missense variant has a deleterious effect on protein structure/function; Has not been previously published as pathogenic or benign to our knowledge

Fulgent Genetics
Classification: Uncertain significance for Neuropathy, hereditary sensory and autonomic, type 2A; Pseudohypoaldosteronism type 2C. Last evaluated: 2024-02-14. Review status: criteria provided, single submitter. Criteria: ACMG Guidelines, 2015. Collection method: clinical testing. Allele origin: germline.

CeGaT Center for Human Genetics Tuebingen
Classification: Uncertain significance. Last evaluated: 2023-10-01. Review status: criteria provided, single submitter. Criteria: CeGaT Center For Human Genetics Tuebingen Variant Classification Criteria Version 2. Collection method: clinical testing. Allele origin: germline. Affected: yes. Observed: 1 variant allele.
Comment: WNK1: PM2, BP4

Ambry Genetics
Classification: Uncertain significance for Inborn genetic diseases. Last evaluated: 2023-02-16. Review status: criteria provided, single submitter. Criteria: Ambry Variant Classification Scheme 2023. Collection method: clinical testing. Allele origin: germline.

NM_018979.4(WNK1):c.5714T>A (p.Val1905Glu)

Gene: WNK1 (WNK lysine deficient protein kinase 1; plus strand). Cytogenetic location: 12p13.33.
Variant type: single nucleotide variant.
Coding change: c.5714T>A on transcript NM_018979.4 (MANE Select); coding-DNA position 5714, T replaced by A.
Protein change: p.Val1905Glu; replaces valine 1905 with glutamic acid.
Molecular consequence: missense variant.
Genome position (GRCh38, 1-based): chr12:896,201, T>A. VCF-style: chr12-896201-T-A. GRCh37 (hg19) VCF-style: chr12-1005367-T-A.
Other names: c.6494T>A, p.Val2165Glu (NM_001184985.2); c.4970T>A, p.Val1657Glu (NM_014823.3); c.6470T>A, p.Val2157Glu (NM_213655.5); short protein forms V1905E, V2165E, V2157E, V1657E.
Identifiers: ClinVar variation 652284 (VCV000652284.40), dbSNP rs759895083, ClinGen allele CA6383269.